The following is an entry in ClinVar:

ClinVar aggregate classification (germline): Uncertain significance. Review status: criteria provided, multiple submitters, no conflicts (2 of 4 stars). 2 submissions from 2 submitters: Uncertain significance (2). Last evaluated 2024-01-09.

Conditions:
Inborn genetic diseases. Identifiers: MedGen C0950123, MeSH D030342.

Allele frequency attached by ClinVar (database versions not stated): gnomAD 0.00001 and 0.00002; gnomAD exomes 0.00001 and 0.00004; ExAC 0.00002; TOPMed 0.00002; 1000 Genomes Project 30x 0.00016; 1000 Genomes Project 0.00020.
gnomAD v4.1: 17 of 1,613,494 alleles (0.0011%); highest among the groups gnomAD compares: East Asian, 0.033%; no homozygotes.

Submissions (2):

Ambry Genetics
Classification: Uncertain significance for Inborn genetic diseases. Last evaluated: 2024-01-09. Review status: criteria provided, single submitter. Criteria: Ambry Variant Classification Scheme 2023. Collection method: clinical testing. Allele origin: germline.

Labcorp Genetics (formerly Invitae), Labcorp
Classification: Uncertain significance. Last evaluated: 2022-07-12. Review status: criteria provided, single submitter. Criteria: Invitae Variant Classification Sherloc (09022015). Collection method: clinical testing. Allele origin: germline.
Comment: In summary, the available evidence is currently insufficient to determine the role of this variant in disease. Therefore, it has been classified as a Variant of Uncertain Significance. Algorithms developed to predict the effect of missense changes on protein structure and function are either unavailable or do not agree on the potential impact of this missense change (SIFT: "Not Available"; PolyPhen-2: "Probably Damaging"; Align-GVGD: "Not Available"). ClinVar contains an entry for this variant (Variation ID: 1517041). This variant has not been reported in the literature in individuals affected with ADAMTS18-related conditions. This variant is present in population databases (rs201322928, gnomAD 0.06%). This sequence change replaces valine, which is neutral and non-polar, with alanine, which is neutral and non-polar, at codon 676 of the ADAMTS18 protein (p.Val676Ala).

NM_199355.4(ADAMTS18):c.2027T>C (p.Val676Ala)

Gene: ADAMTS18 (ADAM metallopeptidase with thrombospondin type 1 motif 18; minus strand). Cytogenetic location: 16q23.1.
Variant type: single nucleotide variant.
Coding change: c.2027T>C on transcript NM_199355.4 (MANE Select); coding-DNA position 2027, T replaced by C.
Protein change: p.Val676Ala; replaces valine 676 with alanine.
Molecular consequence: missense variant.
Genome position (GRCh38, 1-based): chr16:77,325,871, A>G on the plus strand (T>C on the coding strand, the complement: ADAMTS18 is on the minus strand). VCF-style: chr16-77325871-A-G. GRCh37 (hg19) VCF-style: chr16-77359768-A-G.
Other names: c.1511T>C, p.Val504Ala (NM_001326358.2); c.2027T>C (NM_199355.2); short protein forms V504A, V676A.
Identifiers: ClinVar variation 1517041 (VCV001517041.7), dbSNP rs201322928, ClinGen allele CA8181093.